The following is an entry in ClinVar:

ClinVar aggregate classification (germline): Uncertain significance. Review status: criteria provided, multiple submitters, no conflicts (2 of 4 stars). 3 submissions from 2 submitters: Uncertain significance (3). Last evaluated 2025-05-31.

Conditions:
CBL-related disorder. Also called: CBL MUTATION-ASSOCIATED SYNDROME; CBL SYNDROME; NOONAN SYNDROME-LIKE DISORDER WITHOUT JUVENILE MYELOMONOCYTIC LEUKEMIA. Identifiers: Orphanet 363972, MedGen C3150803, MONDO:0013308, OMIM 613563.
Cardiovascular phenotype. Identifiers: MedGen CN230736.
Juvenile myelomonocytic leukemia (JMML). Also called: LEUKEMIA, JUVENILE MYELOMONOCYTIC, SOMATIC. Identifiers: Orphanet 86834, MedGen C0349639, MONDO:0011908, OMIM 607785, HP:0012209.

Submissions (3):

Ambry Genetics
Classification: Uncertain significance for Cardiovascular phenotype. Last evaluated: 2025-05-31. Review status: criteria provided, single submitter. Criteria: Ambry Variant Classification Scheme 2023. Collection method: clinical testing. Allele origin: germline.
Comment: The p.I885T variant (also known as c.2654T>C), located in coding exon 16 of the CBL gene, results from a T to C substitution at nucleotide position 2654. The isoleucine at codon 885 is replaced by threonine, an amino acid with similar properties. This amino acid position is conserved. In addition, the in silico prediction for this alteration is inconclusive. Based on the available evidence, the clinical significance of this variant remains unclear.

Baylor Genetics
Classification: Uncertain significance for Juvenile myelomonocytic leukemia. Last evaluated: 2023-02-15. Review status: criteria provided, single submitter. Criteria: ACMG Guidelines, 2015. Collection method: clinical testing. Allele origin: unknown.

Baylor Genetics
Classification: Uncertain significance for CBL-related disorder. Last evaluated: 2023-02-15. Review status: criteria provided, single submitter. Criteria: ACMG Guidelines, 2015. Collection method: clinical testing. Allele origin: unknown.

NM_005188.4(CBL):c.2654T>C (p.Ile885Thr)

Gene: CBL (Cbl proto-oncogene; plus strand). Cytogenetic location: 11q23.3.
Variant type: single nucleotide variant.
Coding change: c.2654T>C on transcript NM_005188.4 (MANE Select); coding-DNA position 2654, T replaced by C.
Protein change: p.Ile885Thr; replaces isoleucine 885 with threonine.
Molecular consequence: missense variant.
Genome position (GRCh38, 1-based): chr11:119,299,714, T>C. VCF-style: chr11-119299714-T-C. GRCh37 (hg19) VCF-style: chr11-119170424-T-C.
Other names: c.2654T>C (NM_005188.2); short protein forms I885T.
Identifiers: ClinVar variation 2582415 (VCV002582415.2), dbSNP rs2496976197, ClinGen allele CA382933821.
Genomic context (GRCh38, chr11:119,299,714, plus strand): 5'-TGAGTCAGGGGTACTCCTACCAGGACATCCAGAAAGCTTTGGTCATTGCCCAGAACAACA[T>C]CGAGATGGCCAAAAACATCCTCCGGGAATTTGTTTCCATTTCTTCTCCTGCCCATGTAGC-3'
Protein context (NP_005179.2, residues 875-895): QKALVIAQNN[Ile885Thr]EMAKNILREF